The following is an entry in ClinVar:

NM_020911.2(PLXNA4):c.2695G>A (p.Val899Met)

Gene: PLXNA4 (plexin A4; minus strand). Cytogenetic location: 7q32.3.
Variant type: single nucleotide variant.
Coding change: c.2695G>A on transcript NM_020911.2 (MANE Select); coding-DNA position 2695, G replaced by A.
Protein change: p.Val899Met; replaces valine 899 with methionine.
Molecular consequence: missense variant.
Genome position (GRCh38, 1-based): chr7:132,198,528, C>T on the plus strand (G>A on the coding strand, the complement: PLXNA4 is on the minus strand). VCF-style: chr7-132198528-C-T. GRCh37 (hg19) VCF-style: chr7-131883287-C-T.
Other names: c.2695G>A, p.Val899Met (NM_001393897.1); short protein forms V899M.
Identifiers: ClinVar variation 2635680 (VCV002635680.3), dbSNP rs763272431, ClinGen allele CA4489732.

ClinVar aggregate classification (germline): Uncertain significance (1 of 4 stars; one submission).

Conditions:
PLXNA4-related disorder. Also called: PLXNA4-related condition.

Allele frequency attached by ClinVar (database versions not stated): ExAC 0.00002; gnomAD 0.00002; TOPMed 0.00009.
gnomAD v4.1: 51 of 1,614,244 alleles (0.0032%); highest among the groups gnomAD compares: Admixed American, 0.005%; no homozygotes.

Submission:

PreventionGenetics, part of Exact Sciences
Classification: Uncertain significance for PLXNA4-related condition. Last evaluated: 2025-02-26. Review status: criteria provided, single submitter. Criteria: ACMG Guidelines, 2015. Collection method: clinical testing. Allele origin: germline.
Comment: The PLXNA4 c.2695G>A variant is predicted to result in the amino acid substitution p.Val899Met. To our knowledge, this variant has not been reported in the literature. This variant is reported in 0.011% of alleles in individuals of Latino descent in gnomAD. At this time, the clinical significance of this variant is uncertain due to the absence of conclusive functional and genetic evidence.